The following is an entry in ClinVar:

ClinVar aggregate classification (germline): Uncertain significance. Review status: criteria provided, multiple submitters, no conflicts (2 of 4 stars). 4 submissions from 4 submitters: Uncertain significance (4). Last evaluated 2025-12-24.

Conditions:
Familial cancer of breast. Also called: Hereditary breast cancer; BREAST CANCER, FAMILIAL; hereditary breast carcinoma. Identifiers: Orphanet 227535, MedGen C0346153, MONDO:0016419, OMIM 114480. Disease mechanism: loss of function.
Hereditary cancer-predisposing syndrome. Also called: Hereditary neoplastic syndrome; Tumor predisposition; Neoplastic Syndromes, Hereditary; Hereditary Cancer Syndrome. Identifiers: Orphanet 140162, MedGen C0027672, MeSH D009386, MONDO:0015356.

gnomAD v4.1: 35 of 1,609,800 alleles (0.0022%); highest among the groups gnomAD compares: Non-Finnish European, 0.003%; no homozygotes.

Submissions (4):

Labcorp Genetics (formerly Invitae), Labcorp
Classification: Uncertain significance for Familial cancer of breast. Last evaluated: 2025-12-24. Review status: criteria provided, single submitter. Criteria: Invitae Variant Classification Sherloc (09022015). Collection method: clinical testing. Allele origin: germline.
Comment: This sequence change replaces arginine, which is basic and polar, with cysteine, which is neutral and slightly polar, at codon 31 of the BARD1 protein (p.Arg31Cys). This variant is not present in population databases (gnomAD no frequency). This variant has not been reported in the literature in individuals affected with BARD1-related conditions. ClinVar contains an entry for this variant (Variation ID: 421314). An algorithm developed to predict the effect of missense changes on protein structure and function (PolyPhen-2) suggests that this variant is likely to be tolerated. In summary, the available evidence is currently insufficient to determine the role of this variant in disease. Therefore, it has been classified as a Variant of Uncertain Significance.

Ambry Genetics
Classification: Uncertain significance for Hereditary cancer-predisposing syndrome. Last evaluated: 2025-08-10. Review status: criteria provided, single submitter. Criteria: Ambry Variant Classification Scheme 2023. Collection method: clinical testing. Allele origin: germline.
Comment: The p.R31C variant (also known as c.91C>T), located in coding exon 1 of the BARD1 gene, results from a C to T substitution at nucleotide position 91. The arginine at codon 31 is replaced by cysteine, an amino acid with highly dissimilar properties. This amino acid position is poorly conserved in available vertebrate species. In addition, this alteration is predicted to be tolerated by in silico analysis. Since supporting evidence is limited at this time, the clinical significance of this alteration remains unclear.

Color Diagnostics, LLC DBA Color Health
Classification: Uncertain significance for Hereditary cancer-predisposing syndrome. Last evaluated: 2023-05-23. Review status: criteria provided, single submitter. Criteria: ACMG Guidelines, 2015. Collection method: clinical testing. Allele origin: germline.
Comment: This missense variant replaces arginine with cysteine at codon 31 of the BARD1 protein. Computational prediction suggests that this variant may not impact protein structure and function (internally defined REVEL score threshold <= 0.5, PMID: 27666373). To our knowledge, functional studies have not been reported for this variant. This variant has not been reported in individuals affected with BARD1-related disorders in the literature. This variant has not been identified in the general population by the Genome Aggregation Database (gnomAD). The available evidence is insufficient to determine the role of this variant in disease conclusively. Therefore, this variant is classified as a Variant of Uncertain Significance.

GeneDx
Classification: Uncertain significance. Last evaluated: 2016-05-27. Review status: criteria provided, single submitter. Criteria: GeneDx Variant Classification (06012015). Collection method: clinical testing. Allele origin: germline. Affected: yes.
Comment: This variant is denoted BARD1 c.91C>T at the cDNA level, p.Arg31Cys (R31C) at the protein level, and results in the change of an Arginine to a Cysteine (CGC>TGC). This variant has not, to our knowledge, been published in the literature as pathogenic or benign. BARD1 Arg31Cys was not observed in approximately 6,500 individuals of European and African American ancestry in the NHLBI Exome Sequencing Project, suggesting it is not a common benign variant in these populations. Since Arginine and Cysteine differ in polarity, charge, size or other properties, this is considered a non-conservative amino acid substitution. BARD1 Arg31Cys occurs at a position that is not conserved and is located in the region of interaction with BRCA1 (UniProt). In silico analyses predict that this variant is unlikely to alter protein structure or function. Based on currently available evidence, it is unclear whether BARD1 Arg31Cys is a pathogenic or benign variant. We consider it to be a variant of uncertain significance.

NM_000465.4(BARD1):c.91C>T (p.Arg31Cys)

Gene: BARD1 (BRCA1 associated RING domain 1; minus strand). Cytogenetic location: 2q35.
Variant type: single nucleotide variant.
Coding change: c.91C>T on transcript NM_000465.4 (MANE Select); coding-DNA position 91, C replaced by T.
Protein change: p.Arg31Cys; replaces arginine 31 with cysteine.
Molecular consequence: missense variant. On other transcripts: non-coding transcript variant (3).
Genome position (GRCh38, 1-based): chr2:214,809,479, G>A on the plus strand (C>T on the coding strand, the complement: BARD1 is on the minus strand). VCF-style: chr2-214809479-G-A. GRCh37 (hg19) VCF-style: chr2-215674203-G-A.
Other names: c.91C>T, p.Arg31Cys (NM_001282543.2, NM_001282545.2, NM_001282548.2 and 1 more transcripts); short protein forms R31C.
Identifiers: ClinVar variation 421314 (VCV000421314.24), dbSNP rs1064795053, ClinGen allele CA16617460.